The following is an entry in ClinVar:

ClinVar aggregate classification (germline): Uncertain significance (1 of 4 stars; one submission).

Conditions:
Cornelia de Lange syndrome 1 (CDLS1). Also called: NIPBL-Related Cornelia de Lange Syndrome; Brachmann de Lange syndrome; TYPUS DEGENERATIVUS AMSTELODAMENSIS. Identifiers: Orphanet 199, MedGen C4551851, MONDO:0007387, OMIM 122470.

Submission:

Molecular Genetics Laboratory; Baylor College of Medicine
Classification: Uncertain significance. Review status: criteria provided, single submitter. Criteria: Submitter's publication. Collection method: not provided. Allele origin: unknown.
ClinVar note: Converted during submission from unknown to Uncertain significance.

NM_133433.4(NIPBL):c.5378T>G (p.Met1793Arg)

Gene: NIPBL (NIPBL cohesin loading factor; plus strand). Cytogenetic location: 5p13.2.
Variant type: single nucleotide variant.
Coding change: c.5378T>G on transcript NM_133433.4 (MANE Select); coding-DNA position 5378, T replaced by G.
Protein change: p.Met1793Arg; replaces methionine 1793 with arginine.
Molecular consequence: missense variant.
Genome position (GRCh38, 1-based): chr5:37,022,100, T>G. VCF-style: chr5-37022100-T-G. GRCh37 (hg19) VCF-style: chr5-37022202-T-G.
Other names: c.5378T>G, p.Met1793Arg (NM_015384.5); short protein forms M1793R.
Identifiers: ClinVar variation 133307 (VCV000133307.2), dbSNP rs483353060, ClinGen allele CA269908.